The following is an entry in ClinVar:

ClinVar aggregate classification (germline): Uncertain significance (1 of 4 stars; one submission).

Conditions:
Peroxisome biogenesis disorder. Identifiers: Orphanet 79189, MedGen C1832200, MONDO:0019234. Disease mechanism: loss of function.

Allele frequency attached by ClinVar (database versions not stated): gnomAD exomes below 0.00001.
gnomAD v4.1: 6 of 1,614,182 alleles (0.00037%); highest among the groups gnomAD compares: South Asian, 0.0022%; no homozygotes.

Submission:

Labcorp Genetics (formerly Invitae), Labcorp
Classification: Uncertain significance for Peroxisome biogenesis disorder. Last evaluated: 2021-10-23. Review status: criteria provided, single submitter. Criteria: Invitae Variant Classification Sherloc (09022015). Collection method: clinical testing. Allele origin: germline.
Comment: This sequence change replaces lysine with arginine at codon 698 of the PEX6 protein (p.Lys698Arg). The lysine residue is highly conserved and there is a small physicochemical difference between lysine and arginine. This variant is not present in population databases (ExAC no frequency). This variant has not been reported in the literature in individuals affected with PEX6-related conditions. Algorithms developed to predict the effect of missense changes on protein structure and function output the following: SIFT: "Tolerated"; PolyPhen-2: "Benign"; Align-GVGD: "Class C0". The arginine amino acid residue is found in multiple mammalian species, which suggests that this missense change does not adversely affect protein function. Algorithms developed to predict the effect of sequence changes on RNA splicing suggest that this variant may disrupt the consensus splice site. In summary, the available evidence is currently insufficient to determine the role of this variant in disease. Therefore, it has been classified as a Variant of Uncertain Significance.

NM_000287.4(PEX6):c.2093A>G (p.Lys698Arg)

Gene: PEX6 (peroxisomal biogenesis factor 6; minus strand). Cytogenetic location: 6p21.1.
Variant type: single nucleotide variant.
Coding change: c.2093A>G on transcript NM_000287.4 (MANE Select); coding-DNA position 2093, A replaced by G.
Protein change: p.Lys698Arg; replaces lysine 698 with arginine.
Molecular consequence: missense variant. On other transcripts: non-coding transcript variant (1).
Genome position (GRCh38, 1-based): chr6:42,966,526, T>C on the plus strand (A>G on the coding strand, the complement: PEX6 is on the minus strand). VCF-style: chr6-42966526-T-C. GRCh37 (hg19) VCF-style: chr6-42934264-T-C.
Other names: c.1829A>G, p.Lys610Arg (NM_001316313.2); short protein forms K610R, K698R.
Identifiers: ClinVar variation 1377148 (VCV001377148.3), dbSNP rs2114240305, ClinGen allele CA364152580.